The following is an entry in ClinVar:

ClinVar aggregate classification (germline): Conflicting classifications of pathogenicity. Review status: criteria provided, conflicting classifications (1 of 4 stars). 5 submissions from 5 submitters: Uncertain significance (1); Likely benign (4). Last evaluated 2025-05-01.

Conditions:
Cardiovascular phenotype. Identifiers: MedGen CN230736.
Cardiac arrhythmia. Also called: Cardiac rhythm disease; Arrhythmia. Identifiers: MedGen C0003811, MONDO:0007263, HP:0011675.
Long QT syndrome (LQTS). Identifiers: MedGen C0023976, MeSH D008133, MONDO:0002442. Disease mechanism: loss of function. Inheritance: Various modes of inheritance.

Allele frequency attached by ClinVar (database versions not stated): gnomAD exomes below 0.00001; TOPMed below 0.00001.
gnomAD v4.1: 2 of 1,614,150 alleles (0.00012%); highest among the groups gnomAD compares: Non-Finnish European, 0.00017%; no homozygotes.

Submissions (5):

Labcorp Genetics (formerly Invitae), Labcorp
Classification: Likely benign for Long QT syndrome. Last evaluated: 2025-05-01. Review status: criteria provided, single submitter. Criteria: Invitae Variant Classification Sherloc (09022015). Collection method: clinical testing. Allele origin: germline.

Ambry Genetics
Classification: Uncertain significance for Cardiovascular phenotype. Last evaluated: 2024-06-07. Review status: criteria provided, single submitter. Criteria: Ambry Variant Classification Scheme 2023. Collection method: clinical testing. Allele origin: germline.
Comment: The c.1509G>A variant (also known as p.V503V), located in coding exon 6 of the KCNH2 gene, results from a G to A substitution at nucleotide position 1509. This nucleotide substitution does not change the valine at codon 503. This nucleotide position is well conserved in available vertebrate species. In silico splice site analysis predicts that this alteration will result in the creation or strengthening of a novel splice donor site. Based on the available evidence, the clinical significance of this variant remains unclear.

All of Us Research Program, National Institutes of Health
Classification: Likely benign for Long QT syndrome. Last evaluated: 2024-02-05. Review status: criteria provided, single submitter. Criteria: ACMG Guidelines, 2015. Collection method: clinical testing. Allele origin: germline. Inheritance: Autosomal dominant inheritance. Observed: 1 variant allele, 1 heterozygote.
Comment: This study involves interpretation of variants in research participants for the purpose of population health screening. Participant phenotype was not available at the time of variant classification. Additional details can be found in publication PMID: 35346344, PMCID: PMC8962531

GeneDx
Classification: Likely benign. Last evaluated: 2020-12-24. Review status: criteria provided, single submitter. Criteria: GeneDx Variant Classification Process June 2021. Collection method: clinical testing. Allele origin: germline. Affected: yes.

Color Diagnostics, LLC DBA Color Health
Classification: Likely benign for Cardiac arrhythmia. Last evaluated: 2020-08-03. Review status: criteria provided, single submitter. Criteria: ACMG Guidelines, 2015. Collection method: clinical testing. Allele origin: germline.

NM_000238.4(KCNH2):c.1509G>A (p.Val503=)

Gene: KCNH2 (potassium voltage-gated channel subfamily H member 2; minus strand). Cytogenetic location: 7q36.1.
Variant type: single nucleotide variant.
Coding change: c.1509G>A on transcript NM_000238.4 (MANE Select); coding-DNA position 1509, G replaced by A.
Protein change: p.Val503=; no amino-acid change (valine 503 retained).
Molecular consequence: synonymous variant. On other transcripts: non-coding transcript variant (2).
Genome position (GRCh38, 1-based): chr7:150,952,473, C>T on the plus strand (G>A on the coding strand, the complement: KCNH2 is on the minus strand). VCF-style: chr7-150952473-C-T. GRCh37 (hg19) VCF-style: chr7-150649561-C-T.
Other names: c.489G>A, p.Val163= (NM_001204798.2, NM_172057.3); c.1221G>A, p.Val407= (NM_001406753.1, NM_001406756.1); c.1332G>A, p.Val444= (NM_001406755.1); c.1209G>A, p.Val403= (NM_001406757.1); c.1509G>A, p.Val503= (NM_172056.3).
Identifiers: ClinVar variation 1172359 (VCV001172359.15), dbSNP rs967889413, ClinGen allele CA169077360.
Genomic context (GRCh38, chr7:150,952,473, plus strand): 5'-TGCTGACCCCACCTCCTCAGAGCCAGAGCCGAAGATGAGCAGGTCGAAGGGGATGGCGGC[C>T]ACCATGTCGATGAGGAACCAGCCCTTGAAGTAGTGGACGGCGATGCGGCCGGGGTGGCTG-3'
Protein context (NP_000229.1, residues 493-513): YFKGWFLIDM[Val503=]AAIPFDLLIF